The following is an entry in ClinVar:

ClinVar aggregate classification (germline): Uncertain significance. Review status: criteria provided, multiple submitters, no conflicts (2 of 4 stars). 2 submissions from 2 submitters: Uncertain significance (2). Last evaluated 2025-08-11.

Conditions:
Inborn genetic diseases. Identifiers: MedGen C0950123, MeSH D030342.

Allele frequency attached by ClinVar (database versions not stated): gnomAD exomes below 0.00001; TOPMed below 0.00001.
gnomAD v4.1: 2 of 1,614,188 alleles (0.00012%); highest among the groups gnomAD compares: Non-Finnish European, 0.00017%; no homozygotes.

Submissions (2):

Ambry Genetics
Classification: Uncertain significance for Inborn genetic diseases. Last evaluated: 2025-08-11. Review status: criteria provided, single submitter. Criteria: Ambry Variant Classification Scheme 2023. Collection method: clinical testing. Allele origin: germline.

GeneDx
Classification: Uncertain significance. Last evaluated: 2023-01-22. Review status: criteria provided, single submitter. Criteria: GeneDx Variant Classification Process June 2021. Collection method: clinical testing. Allele origin: germline. Affected: yes.
Comment: Not observed at significant frequency in large population cohorts (gnomAD); In silico analysis supports that this missense variant does not alter protein structure/function; Has not been previously published as pathogenic or benign to our knowledge

NM_207037.2(TCF12):c.478T>C (p.Ser160Pro)

Gene: TCF12 (transcription factor 12; plus strand). Cytogenetic location: 15q21.3.
Variant type: single nucleotide variant.
Coding change: c.478T>C on transcript NM_207037.2 (MANE Select); coding-DNA position 478, T replaced by C.
Protein change: p.Ser160Pro; replaces serine 160 with proline.
Molecular consequence: missense variant. On other transcripts: 5 prime UTR variant (1).
Genome position (GRCh38, 1-based): chr15:57,192,245, T>C. VCF-style: chr15-57192245-T-C. GRCh37 (hg19) VCF-style: chr15-57484443-T-C.
Other names: c.478T>C, p.Ser160Pro (NM_001322151.2, NM_001322152.2, NM_001322157.3 and 7 more transcripts); c.-180T>C (NM_001322154.2); c.304T>C, p.Ser102Pro (NM_001322156.2, NM_001322158.2); c.514T>C, p.Ser172Pro (NM_001322164.2); c.478T>C (NM_207037.1); short protein forms S102P, S160P, S172P.
Identifiers: ClinVar variation 2573861 (VCV002573861.2), dbSNP rs1199063294, ClinGen allele CA392581164.
Genomic context (GRCh38, chr15:57,192,245, plus strand): 5'-CTTGGGAGCCCAGCACAGCTATCTTCTTCAGGAAAACCTGGGACAGCATACTATTCATTC[T>C]CTGCTACAAGTTCCAGGAGGAGACCACTCCATGACTCTGCAGCGCTTGGTGAGTGTATCA-3'
Protein context (NP_996920.1, residues 150-170): GKPGTAYYSF[Ser160Pro]ATSSRRRPLH